The following is an entry in ClinVar:

ClinVar aggregate classification (germline): Uncertain significance (1 of 4 stars; one submission).

Allele frequency attached by ClinVar (database versions not stated): gnomAD exomes below 0.00001.

Submission:

Labcorp Genetics (formerly Invitae), Labcorp
Classification: Uncertain significance. Last evaluated: 2021-08-14. Review status: criteria provided, single submitter. Criteria: Invitae Variant Classification Sherloc (09022015). Collection method: clinical testing. Allele origin: germline.
Comment: This sequence change replaces leucine with proline at codon 637 of the HPS6 protein (p.Leu637Pro). The leucine residue is highly conserved and there is a moderate physicochemical difference between leucine and proline. This variant is not present in population databases (ExAC no frequency). This variant has not been reported in the literature in individuals affected with HPS6-related conditions. Algorithms developed to predict the effect of missense changes on protein structure and function (SIFT, PolyPhen-2, Align-GVGD) all suggest that this variant is likely to be disruptive. In summary, the available evidence is currently insufficient to determine the role of this variant in disease. Therefore, it has been classified as a Variant of Uncertain Significance.

NM_024747.6(HPS6):c.1910T>C (p.Leu637Pro)

Gene: HPS6 (HPS6 biogenesis of lysosomal organelles complex 2 subunit 3; plus strand). Cytogenetic location: 10q24.32.
Variant type: single nucleotide variant.
Coding change: c.1910T>C on transcript NM_024747.6 (MANE Select); coding-DNA position 1910, T replaced by C.
Protein change: p.Leu637Pro; replaces leucine 637 with proline.
Molecular consequence: missense variant.
Genome position (GRCh38, 1-based): chr10:102,067,384, T>C. VCF-style: chr10-102067384-T-C. GRCh37 (hg19) VCF-style: chr10-103827141-T-C.
Other names: short protein forms L637P.
Identifiers: ClinVar variation 1366096 (VCV001366096.5), dbSNP rs2136335108, ClinGen allele CA377873447.